The following is an entry in ClinVar:

NM_001267550.2(TTN):c.49189G>A (p.Val16397Met)

Genes: TTN (titin; minus strand), TTN-AS1 (TTN antisense RNA 1; plus strand), LOC126806426 (BRD4-independent group 4 enhancer GRCh37_chr2:179478848-179480047; plus strand). Cytogenetic location: 2q31.2.
Variant type: single nucleotide variant.
Coding change: c.49189G>A on transcript NM_001267550.2 (MANE Select); coding-DNA position 49189, G replaced by A.
Protein change: p.Val16397Met; replaces valine 16397 with methionine.
Molecular consequence: missense variant. On other transcripts: non-coding transcript variant (1).
Genome position (GRCh38, 1-based): chr2:178,614,208, C>T on the plus strand (G>A on the coding strand, the complement: TTN is on the minus strand). VCF-style: chr2-178614208-C-T. GRCh37 (hg19) VCF-style: chr2-179478935-C-T.
Other names: c.41485G>A, p.Val13829Met (NM_133378.4); c.44266G>A, p.Val14756Met (NM_001256850.1); c.21994G>A, p.Val7332Met (NM_003319.4); c.22369G>A, p.Val7457Met (NM_133432.3); c.22570G>A, p.Val7524Met (NM_133437.4); short protein forms V16397M, V13829M, V14756M, V7457M, V7332M, V7524M.
Identifiers: ClinVar variation 47027 (VCV000047027.5), dbSNP rs397517595, ClinGen allele CA139802.

ClinVar aggregate classification (germline): Uncertain significance (1 of 4 stars; one submission).

Allele frequency attached by ClinVar (database versions not stated): gnomAD 0.00001; TOPMed below 0.00001.
gnomAD v4.1: 1 of 1,612,442 alleles (0.000062%); highest among the groups gnomAD compares: Non-Finnish European, 0.000085%; no homozygotes.

Submission:

Laboratory for Molecular Medicine, Mass General Brigham Personalized Medicine
Classification: Uncertain significance. Last evaluated: 2012-10-03. Review status: criteria provided, single submitter. Criteria: LMM Criteria. Collection method: clinical testing. Allele origin: germline. Observed: 1 variant allele.
Comment: Variant classified as Uncertain Significance - Favor Benign. The Val13829Met var iant in TTN has not been reported in the literature nor previously identified by our laboratory. The affected amino acid is not well conserved in evolution with several mammals (dolphin, cow, horse, microbat) carrying a methionine (Met; thi s variant) at this position despite high conservation of nearby amino acids. Th is suggests that this change may be tolerated. This variant is less likely disea se causing but additional studies are needed to fully assess its clinical signif icance.